The following is an entry in ClinVar:

ClinVar aggregate classification (germline): Uncertain significance (0 of 4 stars; one submission).

Conditions:
NRK-related condition.

Submission:

PreventionGenetics, part of Exact Sciences
Classification: Uncertain significance for NRK-related condition. Last evaluated: 2024-09-09. Review status: no assertion criteria provided. Collection method: clinical testing. Allele origin: germline.
Comment: The NRK c.3577T>A variant is predicted to result in the amino acid substitution p.Ser1193Thr. To our knowledge, this variant has not been reported in the literature or in gnomAD, indicating this variant is rare. At this time, the clinical significance of this variant is uncertain due to the absence of conclusive functional and genetic evidence.

NM_198465.4(NRK):c.3577T>A (p.Ser1193Thr)

Gene: NRK (Nik related kinase; plus strand). Cytogenetic location: Xq22.3.
Variant type: single nucleotide variant.
Coding change: c.3577T>A on transcript NM_198465.4 (MANE Select); coding-DNA position 3577, T replaced by A.
Protein change: p.Ser1193Thr; replaces serine 1193 with threonine.
Molecular consequence: missense variant.
Genome position (GRCh38, 1-based): chrX:105,935,247, T>A. VCF-style: chrX-105935247-T-A. GRCh37 (hg19) VCF-style: chrX-105179239-T-A.
Other names: short protein forms S1193T.
Identifiers: ClinVar variation 3344935 (VCV003344935.1).